The following is an entry in ClinVar:

NM_002485.5(NBN):c.1604C>T (p.Ser535Phe)

Gene: NBN (nibrin; minus strand). Cytogenetic location: 8q21.3.
Variant type: single nucleotide variant.
Coding change: c.1604C>T on transcript NM_002485.5 (MANE Select); coding-DNA position 1604, C replaced by T.
Protein change: p.Ser535Phe; replaces serine 535 with phenylalanine.
Molecular consequence: missense variant.
Genome position (GRCh38, 1-based): chr8:89,953,485, G>A on the plus strand (C>T on the coding strand, the complement: NBN is on the minus strand). VCF-style: chr8-89953485-G-A. GRCh37 (hg19) VCF-style: chr8-90965713-G-A.
Other names: c.1358C>T, p.Ser453Phe (NM_001024688.3); short protein forms S453F, S535F.
Identifiers: ClinVar variation 1337161 (VCV001337161.6), dbSNP rs2129700282, ClinGen allele CA371655497.

ClinVar aggregate classification (germline): Uncertain significance. Review status: criteria provided, multiple submitters, no conflicts (2 of 4 stars). 2 submissions from 2 submitters: Uncertain significance (2). Last evaluated 2022-11-09.

Conditions:
Hereditary cancer-predisposing syndrome. Also called: Tumor predisposition; Hereditary Cancer Syndrome; Neoplastic Syndromes, Hereditary; Hereditary neoplastic syndrome. Identifiers: Orphanet 140162, MedGen C0027672, MeSH D009386, MONDO:0015356.

Submissions (2):

Ambry Genetics
Classification: Uncertain significance for Hereditary cancer-predisposing syndrome. Last evaluated: 2022-11-09. Review status: criteria provided, single submitter. Criteria: Ambry Variant Classification Scheme 2023. Collection method: clinical testing. Allele origin: germline.
Comment: The p.S535F variant (also known as c.1604C>T), located in coding exon 11 of the NBN gene, results from a C to T substitution at nucleotide position 1604. The serine at codon 535 is replaced by phenylalanine, an amino acid with highly dissimilar properties. This amino acid position is poorly conserved in available vertebrate species. In addition, this alteration is predicted to be tolerated by in silico analysis. Since supporting evidence is limited at this time, the clinical significance of this alteration remains unclear.

Genetic Services Laboratory, University of Chicago
Classification: Uncertain significance. Last evaluated: 2019-05-22. Review status: criteria provided, single submitter. Criteria: ACMG Guidelines, 2015. Collection method: clinical testing. Allele origin: germline. Affected: no.